The following is an entry in ClinVar:

NM_145207.3(AFG2A):c.164-4A>G

Gene: AFG2A (AAA ATPase AFG2A; plus strand). Cytogenetic location: 4q28.1.
Variant type: single nucleotide variant.
Coding change: c.164-4A>G on transcript NM_145207.3 (MANE Select); 4 bases into the intron before coding-DNA position 164, A replaced by G.
Molecular consequence: intron variant.
Genome position (GRCh38, 1-based): chr4:122,927,630, A>G. VCF-style: chr4-122927630-A-G. GRCh37 (hg19) VCF-style: chr4-123848785-A-G.
Other names: c.164-7A>G (NM_001345856.2, NM_001317799.2).
Identifiers: ClinVar variation 1031190 (VCV001031190.9), dbSNP rs752411823, ClinGen allele CA3070153.

ClinVar aggregate classification (germline): Conflicting classifications of pathogenicity. Review status: criteria provided, conflicting classifications (1 of 4 stars). 3 submissions from 3 submitters: Uncertain significance (1); Likely benign (2). Last evaluated 2025-01-15.

Conditions:
Microcephaly-intellectual disability-sensorineural hearing loss-epilepsy-abnormal muscle tone syndrome (NEDHSB). Also called: NEURODEVELOPMENTAL DISORDER WITH HEARING LOSS, SEIZURES, AND BRAIN ABNORMALITIES. Identifiers: Orphanet 457351, MedGen C4225276, MONDO:0014698, OMIM 616577.

Allele frequency attached by ClinVar (database versions not stated): gnomAD 0.00001; TOPMed 0.00002; ExAC 0.00006.
gnomAD v4.1: 68 of 1,602,852 alleles (0.0042%); highest among the groups gnomAD compares: Non-Finnish European, 0.0054%; no homozygotes.

Submissions (3):

Labcorp Genetics (formerly Invitae), Labcorp
Classification: Likely benign for Microcephaly-intellectual disability-sensorineural hearing loss-epilepsy-abnormal muscle tone syndrome. Last evaluated: 2025-01-15. Review status: criteria provided, single submitter. Criteria: Invitae Variant Classification Sherloc (09022015). Collection method: clinical testing. Allele origin: germline.

Blueprint Genetics
Classification: Likely benign. Last evaluated: 2023-08-10. Review status: criteria provided, single submitter. Criteria: ACMG Guidelines, 2015. Collection method: clinical testing. Allele origin: germline.

Baylor Genetics
Classification: Uncertain significance for Microcephaly-intellectual disability-sensorineural hearing loss-epilepsy-abnormal muscle tone syndrome. Last evaluated: 2019-01-28. Review status: criteria provided, single submitter. Criteria: ACMG Guidelines, 2015. Collection method: clinical testing. Allele origin: paternal. Affected: yes.
Comment: This variant was determined to be of uncertain significance according to ACMG Guidelines, 2015 [PMID:25741868].